The following is an entry in ClinVar:

ClinVar aggregate classification (germline): Uncertain significance (1 of 4 stars; one submission).

Allele frequency attached by ClinVar (database versions not stated): gnomAD exomes 0.00001; TOPMed 0.00001.
gnomAD v4.1: 10 of 1,613,818 alleles (0.00062%); highest among the groups gnomAD compares: Non-Finnish European, 0.00085%; no homozygotes.

Submission:

Labcorp Genetics (formerly Invitae), Labcorp
Classification: Uncertain significance. Last evaluated: 2023-11-27. Review status: criteria provided, single submitter. Criteria: Invitae Variant Classification Sherloc (09022015). Collection method: clinical testing. Allele origin: germline.
Comment: This sequence change replaces threonine, which is neutral and polar, with isoleucine, which is neutral and non-polar, at codon 3242 of the FAT2 protein (p.Thr3242Ile). This variant is present in population databases (no rsID available, gnomAD 0.002%). This variant has not been reported in the literature in individuals affected with FAT2-related conditions. Advanced modeling of protein sequence and biophysical properties (such as structural, functional, and spatial information, amino acid conservation, physicochemical variation, residue mobility, and thermodynamic stability) performed at Invitae indicates that this missense variant is expected to disrupt FAT2 protein function with a positive predictive value of 80%. In summary, the available evidence is currently insufficient to determine the role of this variant in disease. Therefore, it has been classified as a Variant of Uncertain Significance.

NM_001447.3(FAT2):c.9725C>T (p.Thr3242Ile)

Genes: FAT2 (FAT atypical cadherin 2; minus strand), SLC36A1 (solute carrier family 36 member 1; plus strand). Cytogenetic location: 5q33.1.
Variant type: single nucleotide variant.
Coding change: c.9725C>T on transcript NM_001447.3 (MANE Select); coding-DNA position 9725, C replaced by T.
Protein change: p.Thr3242Ile; replaces threonine 3242 with isoleucine.
Molecular consequence: missense variant.
Genome position (GRCh38, 1-based): chr5:151,531,673, G>A on the plus strand (C>T on the coding strand, the complement: FAT2 is on the minus strand). VCF-style: chr5-151531673-G-A. GRCh37 (hg19) VCF-style: chr5-150911234-G-A.
Other names: short protein forms T3242I.
Identifiers: ClinVar variation 2981272 (VCV002981272.3), dbSNP rs1435124809, ClinGen allele CA361827015.